The following is an entry in ClinVar:

NM_001267550.2(TTN):c.14212C>T (p.Arg4738Ter)

Gene: TTN (titin; minus strand). Cytogenetic location: 2q31.2.
Variant type: single nucleotide variant.
Coding change: c.14212C>T on transcript NM_001267550.2 (MANE Select); coding-DNA position 14212, C replaced by T.
Protein change: p.Arg4738Ter; replaces arginine 4738 with a stop codon.
Molecular consequence: nonsense.
Genome position (GRCh38, 1-based): chr2:178,738,241, G>A on the plus strand (C>T on the coding strand, the complement: TTN is on the minus strand). VCF-style: chr2-178738241-G-A. GRCh37 (hg19) VCF-style: chr2-179602968-G-A.
Other names: c.13261C>T, p.Arg4421Ter (NM_001256850.1); c.13123C>T, p.Arg4375Ter (NM_003319.4); c.10480C>T, p.Arg3494Ter (NM_133378.4); c.13498C>T, p.Arg4500Ter (NM_133432.3); c.13699C>T, p.Arg4567Ter (NM_133437.4); short protein forms R4421*, R4500*, R4738*, R3494*, R4375*, R4567*.
Identifiers: ClinVar variation 2050263 (VCV002050263.4), dbSNP rs1311308523, ClinGen allele CA349602586.

ClinVar aggregate classification (germline): Likely pathogenic (1 of 4 stars; one submission).

Conditions:
Autosomal recessive limb-girdle muscular dystrophy type 2J (LGMDR10). Also called: Limb-girdle muscular dystrophy, type 2J; MUSCULAR DYSTROPHY, LIMB-GIRDLE, AUTOSOMAL RECESSIVE 10. Identifiers: Orphanet 140922, MedGen C1837342, MONDO:0012127, OMIM 608807.
Dilated cardiomyopathy 1G (CMD1G). Identifiers: Orphanet 154, MedGen C1858763, MONDO:0011400, OMIM 604145.

Allele frequency attached by ClinVar (database versions not stated): TOPMed below 0.00001.
gnomAD v4.1: 1 of 1,613,466 alleles (0.000062%); highest among the groups gnomAD compares: South Asian, 0.0011%; no homozygotes.

Submission:

Labcorp Genetics (formerly Invitae), Labcorp
Classification: Likely pathogenic for Dilated cardiomyopathy 1G; Autosomal recessive limb-girdle muscular dystrophy type 2J. Last evaluated: 2025-05-01. Review status: criteria provided, single submitter. Criteria: Invitae Variant Classification Sherloc (09022015). Collection method: clinical testing. Allele origin: germline.
Comment: This sequence change creates a premature translational stop signal (p.Arg4738*) in the TTN gene. While this is not anticipated to result in nonsense mediated decay, it is expected to create a truncated TTN protein. This variant is not present in population databases (gnomAD no frequency). This variant has not been observed in the literature in individuals with autosomal recessive TTN-related conditions. This variant has been reported in individual(s) with autosomal dominant dilated cardiomyopathy (PMID: 32826072); however, the role of the variant in this condition is currently unclear. ClinVar contains an entry for this variant (Variation ID: 2050263). This variant is located in the I band of TTN (PMID: 25589632). Truncating variants in this region have been reported in individuals affected with autosomal recessive centronuclear myopathy (PMID: 23975875, internal data). Truncating variants in this region have also been identified in individuals affected with autosomal dominant dilated cardiomyopathy and/or cardio-related conditions (PMID: 27869827, 32964742, internal data). In summary, the currently available evidence indicates that the variant is pathogenic, but additional data are needed to prove that conclusively. Therefore, this variant has been classified as Likely Pathogenic.

Literature cited by the submitters: PubMed 32826072; PubMed 25589632; PubMed 23975875; PubMed 27869827; PubMed 32964742.